The following is an entry in ClinVar:

NM_213720.3(CHCHD10):c.89C>T (p.Ser30Leu)

Gene: CHCHD10 (coiled-coil-helix-coiled-coil-helix domain containing 10; minus strand). Cytogenetic location: 22q11.23.
Variant type: single nucleotide variant.
Coding change: c.89C>T on transcript NM_213720.3 (MANE Select); coding-DNA position 89, C replaced by T.
Protein change: p.Ser30Leu; replaces serine 30 with leucine.
Molecular consequence: missense variant.
Genome position (GRCh38, 1-based): chr22:23,767,546, G>A on the plus strand (C>T on the coding strand, the complement: CHCHD10 is on the minus strand). VCF-style: chr22-23767546-G-A. GRCh37 (hg19) VCF-style: chr22-24109733-G-A.
Other names: c.89C>T, p.Ser30Leu (NM_001301339.2); short protein forms S30L.
Identifiers: ClinVar variation 3345716 (VCV003345716.3).

ClinVar aggregate classification (germline): Uncertain significance. Review status: criteria provided, multiple submitters, no conflicts (2 of 4 stars). 3 submissions from 3 submitters: Uncertain significance (2). 1 of the submissions does not count toward it. Last evaluated 2025-10-17.

Conditions:
Lower motor neuron syndrome with late-adult onset (SMAJ). Also called: Spinal muscular atrophy, Jokela type; Late-Onset Spinal Motor Neuronopathy (SMAJ). Identifiers: Orphanet 276435, MedGen C3554398, MONDO:0014025, OMIM 615048.
Frontotemporal dementia and/or amyotrophic lateral sclerosis 2. Also called: FTDALS2. Identifiers: Orphanet 275872, MedGen C4014648, MONDO:0014395, OMIM 615911.
Autosomal dominant mitochondrial myopathy with exercise intolerance (IMMD). Also called: Myopathy, isolated mitochondrial, autosomal dominant. Identifiers: Orphanet 457050, MedGen C4015513, MONDO:0014532, OMIM 616209.
CHCHD10-related disorder. Also called: CHCHD10-related condition; CHCHD10-Related Disorders. Identifiers: MedGen CN381526.

Submissions (3):

Labcorp Genetics (formerly Invitae), Labcorp
Classification: Uncertain significance for Lower motor neuron syndrome with late-adult onset; Frontotemporal dementia and/or amyotrophic lateral sclerosis 2; Autosomal dominant mitochondrial myopathy with exercise intolerance. Last evaluated: 2025-10-17. Review status: criteria provided, single submitter. Criteria: Invitae Variant Classification Sherloc (09022015). Collection method: clinical testing. Allele origin: germline.
Comment: This sequence change replaces serine, which is neutral and polar, with leucine, which is neutral and non-polar, at codon 30 of the CHCHD10 protein (p.Ser30Leu). This variant is not present in population databases (gnomAD no frequency). This missense change has been observed in individual(s) with Parkinson disease (PMID: 29249678). ClinVar contains an entry for this variant (Variation ID: 3345716). Experimental studies and prediction algorithms are not available or were not evaluated, and the functional significance of this variant is currently unknown. In summary, the available evidence is currently insufficient to determine the role of this variant in disease. Therefore, it has been classified as a Variant of Uncertain Significance.

GeneDx
Classification: Uncertain significance. Last evaluated: 2024-12-01. Review status: criteria provided, single submitter. Criteria: GeneDx Variant Classification Process June 2021. Collection method: clinical testing. Allele origin: germline. Affected: yes.
Comment: Identified in a patient with Parkinsons disease (PD), but it is unknown whether this individual was screened for variants in other genes associated with PD (PMID: 29249678); Not observed at significant frequency in large population cohorts (gnomAD); In silico analysis supports that this missense variant has a deleterious effect on protein structure/function; This variant is associated with the following publications: (PMID: 29249678, 35791387)

PreventionGenetics, part of Exact Sciences
Classification: Uncertain significance for CHCHD10-related condition. Last evaluated: 2024-05-02. Review status: no assertion criteria provided. Collection method: clinical testing. Allele origin: germline. Not counted in ClinVar's aggregate classification.
Comment: The CHCHD10 c.89C>T variant is predicted to result in the amino acid substitution p.Ser30Leu. This variant was reported in a heterozygous individual with a Parkinson disease phenotype (Zhou et al 2018. PubMed ID: 29249678). This variant has not been reported in a large population database, indicating this variant is rare. At this time, the clinical significance of this variant is uncertain due to the absence of conclusive functional and genetic evidence.

Literature cited by the submitters: PubMed 29249678 (cited by Labcorp Genetics (formerly Invitae), Labcorp).